The following is an entry in ClinVar:

NM_005026.5(PIK3CD):c.1815C>T (p.Asp605=)

Gene: PIK3CD (phosphatidylinositol-4,5-bisphosphate 3-kinase catalytic subunit delta; plus strand). Cytogenetic location: 1p36.22.
Variant type: single nucleotide variant.
Coding change: c.1815C>T on transcript NM_005026.5 (MANE Select); coding-DNA position 1815, C replaced by T.
Protein change: p.Asp605=; no amino-acid change (aspartic acid 605 retained).
Molecular consequence: synonymous variant.
Genome position (GRCh38, 1-based): chr1:9,721,447, C>T. VCF-style: chr1-9721447-C-T. GRCh37 (hg19) VCF-style: chr1-9781505-C-T.
Other names: c.1812C>T, p.Asp604= (NM_001350234.2); c.1728C>T, p.Asp576= (NM_001350235.1); c.1815C>T (NM_005026.4).
Identifiers: ClinVar variation 736340 (VCV000736340.15), dbSNP rs115808092, ClinGen allele CA577347.

ClinVar aggregate classification (germline): Benign/Likely benign. Review status: criteria provided, multiple submitters, no conflicts (2 of 4 stars). 4 submissions from 4 submitters: Benign (1); Likely benign (1). 2 of the submissions do not count toward it. Last evaluated 2025-09-16.

Conditions:
PIK3CD-related disorder. Also called: PIK3CD-related condition.
Immunodeficiency 14 (IMD14A). Also called: p110-DELTA-ACTIVATING MUTATION CAUSING SENESCENT T CELLS, LYMPHADENOPATHY, AND IMMUNODEFICIENCY; Activated PI3K Delta Syndrome Type 1 (APDS1); ACTIVATED PI3K-DELTA SYNDROME 1; IMMUNODEFICIENCY 14A WITH LYMPHOPROLIFERATION, AUTOSOMAL DOMINANT. Identifiers: Orphanet 397596, Orphanet 693661, MedGen C5907821, MONDO:0014222, OMIM 615513.

Allele frequency attached by ClinVar (database versions not stated): ExAC 0.00025; ESP Exome Variant Server 0.00100; gnomAD exomes 0.00019 and 0.00010; 1000 Genomes Project 0.00120; 1000 Genomes Project 30x 0.00172; gnomAD 0.00076 and 0.00085; TOPMed 0.00088.
gnomAD v4.1: 262 of 1,613,508 alleles (0.016%); highest among the groups gnomAD compares: African/African-American, 0.3%; no homozygotes.

Submissions (4):

Labcorp Genetics (formerly Invitae), Labcorp
Classification: Benign for Activated PI3K-delta syndrome. Last evaluated: 2025-09-16. Review status: criteria provided, single submitter. Criteria: Invitae Variant Classification Sherloc (09022015). Collection method: clinical testing. Allele origin: germline.

Blueprint Genetics
Classification: Likely benign. Last evaluated: 2024-08-06. Review status: criteria provided, single submitter. Criteria: ACMG Guidelines, 2015. Collection method: clinical testing. Allele origin: germline.

PreventionGenetics, part of Exact Sciences
Classification: Likely benign for PIK3CD-related condition. Last evaluated: 2024-02-14. Review status: no assertion criteria provided. Collection method: clinical testing. Allele origin: germline. Not counted in ClinVar's aggregate classification.
Comment: This variant is classified as likely benign based on ACMG/AMP sequence variant interpretation guidelines (Richards et al. 2015 PMID: 25741868, with internal and published modifications).

Genetic Services Laboratory, University of Chicago
Classification: Benign. Last evaluated: 2022-08-28. Review status: no assertion criteria provided. Collection method: clinical testing. Allele origin: germline. Affected: no. Not counted in ClinVar's aggregate classification.